The following is an entry in ClinVar:

NM_000135.4(FANCA):c.107A>G (p.Asn36Ser)

Gene: FANCA (FA complementation group A; minus strand). Cytogenetic location: 16q24.3.
Variant type: single nucleotide variant.
Coding change: c.107A>G on transcript NM_000135.4 (MANE Select); coding-DNA position 107, A replaced by G.
Protein change: p.Asn36Ser; replaces asparagine 36 with serine.
Molecular consequence: missense variant.
Genome position (GRCh38, 1-based): chr16:89,815,959, T>C on the plus strand (A>G on the coding strand, the complement: FANCA is on the minus strand). VCF-style: chr16-89815959-T-C. GRCh37 (hg19) VCF-style: chr16-89882367-T-C.
Other names: c.107A>G, p.Asn36Ser (NM_001018112.3, NM_001286167.3, NM_001351830.2); c.107A>G (NM_000135.2); short protein forms N36S.
Identifiers: ClinVar variation 1021531 (VCV001021531.13), dbSNP rs1210459454, ClinGen allele CA397483607.

ClinVar aggregate classification (germline): Uncertain significance. Review status: criteria provided, multiple submitters, no conflicts (2 of 4 stars). 4 submissions from 4 submitters: Uncertain significance (2). 2 of the submissions do not count toward it. Last evaluated 2025-02-21.

Conditions:
Inborn genetic diseases. Identifiers: MedGen C0950123, MeSH D030342.
Fanconi anemia (FA). Also called: Fanconi's anemia. Identifiers: Orphanet 84, MedGen C0015625, MeSH D005199, MONDO:0019391.
FANCA-related disorder. Also called: FANCA-related condition.

Allele frequency attached by ClinVar (database versions not stated): gnomAD exomes below 0.00001; gnomAD 0.00001; TOPMed 0.00003.
gnomAD v4.1: 3 of 1,613,864 alleles (0.00019%); highest among the groups gnomAD compares: Admixed American, 0.0017%; no homozygotes.

Submissions (4):

Ambry Genetics
Classification: Uncertain significance for Inborn genetic diseases. Last evaluated: 2025-02-21. Review status: criteria provided, single submitter. Criteria: Ambry Variant Classification Scheme 2023. Collection method: clinical testing. Allele origin: germline.
Comment: The p.N36S variant (also known as c.107A>G), located in coding exon 2 of the FANCA gene, results from an A to G substitution at nucleotide position 107. The asparagine at codon 36 is replaced by serine, an amino acid with highly similar properties. This amino acid position is conserved. In addition, this alteration is predicted to be tolerated by in silico analysis. Based on the available evidence, the clinical significance of this variant remains unclear.

Labcorp Genetics (formerly Invitae), Labcorp
Classification: Uncertain significance for Fanconi anemia. Last evaluated: 2024-04-10. Review status: criteria provided, single submitter. Criteria: Invitae Variant Classification Sherloc (09022015). Collection method: clinical testing. Allele origin: germline.
Comment: This sequence change replaces asparagine, which is neutral and polar, with serine, which is neutral and polar, at codon 36 of the FANCA protein (p.Asn36Ser). This variant is present in population databases (no rsID available, gnomAD 0.004%). This variant has not been reported in the literature in individuals affected with FANCA-related conditions. ClinVar contains an entry for this variant (Variation ID: 1021531). Advanced modeling of protein sequence and biophysical properties (such as structural, functional, and spatial information, amino acid conservation, physicochemical variation, residue mobility, and thermodynamic stability) performed at Invitae indicates that this missense variant is not expected to disrupt FANCA protein function with a negative predictive value of 80%. In summary, the available evidence is currently insufficient to determine the role of this variant in disease. Therefore, it has been classified as a Variant of Uncertain Significance.

PreventionGenetics, part of Exact Sciences
Classification: Uncertain significance for FANCA-related condition. Last evaluated: 2024-08-02. Review status: no assertion criteria provided. Collection method: clinical testing. Allele origin: germline. Not counted in ClinVar's aggregate classification.
Comment: The FANCA c.107A>G variant is predicted to result in the amino acid substitution p.Asn36Ser. To our knowledge, this variant has not been reported in the literature. This variant is reported in 0.0040% of alleles in individuals of African descent in gnomAD, and is classified as a variant of uncertain significance by multiple labs in ClinVar. At this time, the clinical significance of this variant is uncertain due to the absence of conclusive functional and genetic evidence.

Natera, Inc.
Classification: Uncertain significance for Fanconi anemia. Last evaluated: 2021-02-10. Review status: no assertion criteria provided. Collection method: clinical testing. Allele origin: germline. Not counted in ClinVar's aggregate classification.